The following is an entry in ClinVar:

NM_025099.6(CTC1):c.2322del (p.Arg775fs)

Gene: CTC1 (CST telomere replication complex component 1; minus strand). Cytogenetic location: 17p13.1.
Variant type: Deletion.
Coding change: c.2322del on transcript NM_025099.6 (MANE Select); coding-DNA position 2322, one base deleted (G; older notation c.2322delG).
Protein change: p.Arg775fs; shifts the reading frame from arginine 775.
Molecular consequence: frameshift variant. On other transcripts: non-coding transcript variant (1).
Genome position (GRCh38, 1-based): chr17:8,231,966, C deleted on the plus strand (G on the coding strand, the reverse complement: CTC1 is on the minus strand). VCF-style (leftmost placement, unchanged base first): chr17-8231965-TC-T. GRCh37 (hg19) VCF-style: chr17-8135283-TC-T.
Other names: c.2322del, p.Arg775fs (NM_001411067.1); short protein forms R775fs.
Identifiers: ClinVar variation 2898800 (VCV002898800.3), dbSNP rs2507896629, ClinGen allele CA2739267126.

ClinVar aggregate classification (germline): Pathogenic (1 of 4 stars; one submission).

Conditions:
Dyskeratosis congenita. Identifiers: Orphanet 1775, MedGen C0265965, MONDO:0015780.

Submission:

Labcorp Genetics (formerly Invitae), Labcorp
Classification: Pathogenic for Dyskeratosis congenita. Last evaluated: 2023-12-14. Review status: criteria provided, single submitter. Criteria: Invitae Variant Classification Sherloc (09022015). Collection method: clinical testing. Allele origin: germline.
Comment: This sequence change creates a premature translational stop signal (p.Arg775Glyfs*46) in the CTC1 gene. It is expected to result in an absent or disrupted protein product. Loss-of-function variants in CTC1 are known to be pathogenic (PMID: 22267198, 22387016). This variant is not present in population databases (gnomAD no frequency). This variant has not been reported in the literature in individuals affected with CTC1-related conditions. Algorithms developed to predict the effect of sequence changes on RNA splicing suggest that this variant may disrupt the consensus splice site. For these reasons, this variant has been classified as Pathogenic.

Literature cited by the submitters: PubMed 22267198; PubMed 22387016.